The following is an entry in ClinVar:

ClinVar aggregate classification (germline): Uncertain significance (1 of 4 stars; one submission).

Submission:

Labcorp Genetics (formerly Invitae), Labcorp
Classification: Uncertain significance. Last evaluated: 2022-01-13. Review status: criteria provided, single submitter. Criteria: Invitae Variant Classification Sherloc (09022015). Collection method: clinical testing. Allele origin: germline.
Comment: This variant is not present in population databases (gnomAD no frequency). This sequence change replaces methionine, which is neutral and non-polar, with threonine, which is neutral and polar, at codon 543 of the LRP2 protein (p.Met543Thr). This variant has not been reported in the literature in individuals affected with LRP2-related conditions. Advanced modeling of protein sequence and biophysical properties (such as structural, functional, and spatial information, amino acid conservation, physicochemical variation, residue mobility, and thermodynamic stability) performed at Invitae indicates that this missense variant is expected to disrupt LRP2 protein function. In summary, the available evidence is currently insufficient to determine the role of this variant in disease. Therefore, it has been classified as a Variant of Uncertain Significance.

NM_004525.3(LRP2):c.1628T>C (p.Met543Thr)

Gene: LRP2 (LDL receptor related protein 2; minus strand). Cytogenetic location: 2q31.1.
Variant type: single nucleotide variant.
Coding change: c.1628T>C on transcript NM_004525.3 (MANE Select); coding-DNA position 1628, T replaced by C.
Protein change: p.Met543Thr; replaces methionine 543 with threonine.
Molecular consequence: missense variant.
Genome position (GRCh38, 1-based): chr2:169,277,889, A>G on the plus strand (T>C on the coding strand, the complement: LRP2 is on the minus strand). VCF-style: chr2-169277889-A-G. GRCh37 (hg19) VCF-style: chr2-170134399-A-G.
Other names: short protein forms M543T.
Identifiers: ClinVar variation 2081844 (VCV002081844.4), dbSNP rs2528508935, ClinGen allele CA349146008.
Genomic context (GRCh38, chr2:169,277,889, plus strand): 5'-GTTACCCCAGCAGGCCATCCCAGCTTTGTTTTCACCAAGTCTTTACGGTTGCTGCCATCC[A>G]TGAATGCCCTTTCCAGCTTAGGTTCCCCAGAAAGGCTCTCCCAATCTGAGAAAAATAAAT-3'
Protein context (NP_004516.2, residues 533-553): SGEPKLERAF[Met543Thr]DGSNRKDLVK